The following is an entry in ClinVar:

NM_006019.4(TCIRG1):c.1718A>G (p.Glu573Gly)

Gene: TCIRG1 (T cell immune regulator 1, ATPase H+ transporting V0 subunit a3; plus strand). Cytogenetic location: 11q13.2.
Variant type: single nucleotide variant.
Coding change: c.1718A>G on transcript NM_006019.4 (MANE Select); coding-DNA position 1718, A replaced by G.
Protein change: p.Glu573Gly; replaces glutamic acid 573 with glycine.
Molecular consequence: missense variant.
Genome position (GRCh38, 1-based): chr11:68,049,125, A>G. VCF-style: chr11-68049125-A-G. GRCh37 (hg19) VCF-style: chr11-67816592-A-G.
Other names: c.824A>G, p.Glu275Gly (NM_001351059.2); c.1070A>G, p.Glu357Gly (NM_006053.4); short protein forms E275G, E357G, E573G.
Identifiers: ClinVar variation 991177 (VCV000991177.4), dbSNP rs576389893, ClinGen allele CA6147248.

ClinVar aggregate classification (germline): Uncertain significance. Review status: criteria provided, multiple submitters, no conflicts (2 of 4 stars). 3 submissions from 3 submitters: Uncertain significance (2). 1 of the submissions does not count toward it. Last evaluated 2023-05-20.

Conditions:
Autosomal recessive osteopetrosis 1. Also called: ALBERS-SCHONBERG DISEASE, AUTOSOMAL RECESSIVE; TCIRG1-Related Osteopetrosis; TCIRG1-Related Autosomal Recessive Osteopetrosis. Identifiers: Orphanet 667, MedGen C1850127, MONDO:0009815, OMIM 259700.

Allele frequency attached by ClinVar (database versions not stated): gnomAD 0.00001 and 0.00004; TOPMed 0.00001; gnomAD exomes 0.00003 and 0.00008; ExAC 0.00008; 1000 Genomes Project 30x 0.00078; 1000 Genomes Project 0.00100.
gnomAD v4.1: 53 of 1,613,748 alleles (0.0033%); highest among the groups gnomAD compares: South Asian, 0.043%; no homozygotes.

Submissions (3):

Neuberg Centre For Genomic Medicine, NCGM
Classification: Uncertain significance for Autosomal recessive osteopetrosis 1. Last evaluated: 2023-05-20. Review status: criteria provided, single submitter. Criteria: ACMG Guidelines, 2015. Collection method: clinical testing. Allele origin: germline. Inheritance: Autosomal recessive inheritance. Affected: yes.
Comment: The observed missense c.1718A>G(p.Glu573Gly) variant in TCIRG1 gene has not been reported previously as a pathogenic variant nor as a benign variant, to our knowledge. This variant is present with an allele frequency of 0.008% in gnomAD Exomes database. This variant has been reported to the ClinVar database as Uncertain significance. Multiple lines of computational evidence (Polyphen - probably damaging , SIFT - damaging and MutationTaster -disease causing) predict a damaging effect on protein structure and function for this variant. The amino acid change p.Glu573Gly in TCIRG1 is predicted as conserved by GERP++ and PhyloP across 100 vertebrates. The amino acid Glu at position 573 is changed to a Gly changing protein sequence and it might alter its composition and physico-chemical properties. For these reasons, this variant has been classified as Uncertain Significance (VUS).

Labcorp Genetics (formerly Invitae), Labcorp
Classification: Uncertain significance. Last evaluated: 2022-02-10. Review status: criteria provided, single submitter. Criteria: Invitae Variant Classification Sherloc (09022015). Collection method: clinical testing. Allele origin: germline.
Comment: This sequence change replaces glutamic acid, which is acidic and polar, with glycine, which is neutral and non-polar, at codon 573 of the TCIRG1 protein (p.Glu573Gly). This variant is present in population databases (rs576389893, gnomAD 0.06%). This variant has not been reported in the literature in individuals affected with TCIRG1-related conditions. ClinVar contains an entry for this variant (Variation ID: 991177). Algorithms developed to predict the effect of missense changes on protein structure and function (SIFT, PolyPhen-2, Align-GVGD) all suggest that this variant is likely to be tolerated. In summary, the available evidence is currently insufficient to determine the role of this variant in disease. Therefore, it has been classified as a Variant of Uncertain Significance.

Natera, Inc.
Classification: Uncertain significance for Infantile malignant osteopetrosis. Last evaluated: 2020-04-16. Review status: no assertion criteria provided. Collection method: clinical testing. Allele origin: germline. Not counted in ClinVar's aggregate classification.